The following is an entry in ClinVar:

ClinVar aggregate classification (germline): Pathogenic (1 of 4 stars; one submission).

Submission:

Labcorp Genetics (formerly Invitae), Labcorp
Classification: Pathogenic. Last evaluated: 2023-05-15. Review status: criteria provided, single submitter. Criteria: Invitae Variant Classification Sherloc (09022015). Collection method: clinical testing. Allele origin: unknown.
Comment: This variant disrupts a region of the EIF2B1 protein in which other variant(s) (p.Tyr275Cys) have been determined to be pathogenic (PMID: 18263758, 32865661, 34663487). This suggests that this is a clinically significant region of the protein, and that variants that disrupt it are likely to be disease-causing. This variant has not been reported in the literature in individuals affected with EIF2B1-related conditions. This variant is a gross deletion of the genomic region encompassing exon(s) 6-9 of the EIF2B1 gene, which includes the termination codon. This deletion extends beyond the assayed region for this gene and therefore may encompass additional genes. While this deletion is not anticipated to lead to nonsense mediated decay, it is expected to alter mRNA translation or result in a truncated protein product. For these reasons, this variant has been classified as Pathogenic.

Literature cited by the submitters: PubMed 18263758; PubMed 32865661; PubMed 34663487.

NC_000012.11:g.(?_124106303)_(124111060_?)del

Gene: EIF2B1 (eukaryotic translation initiation factor 2B subunit alpha; minus strand). Cytogenetic location: 12q24.31.
Variant type: Deletion.
Identifiers: ClinVar variation 3244372 (VCV003244372.1).